The following is an entry in ClinVar:

ClinVar aggregate classification (germline): Uncertain significance. Review status: criteria provided, multiple submitters, no conflicts (2 of 4 stars). 2 submissions from 2 submitters: Uncertain significance (2). Last evaluated 2025-11-09.

Conditions:
Osteogenesis imperfecta type I (OI1). Also called: OI, TYPE I; OSTEOGENESIS IMPERFECTA TARDA; OSTEOGENESIS IMPERFECTA WITH BLUE SCLERAE; Osteogenesis imperfecta type 1; Lobstein's Disease; Lobstein disease. Identifiers: Orphanet 216796, Orphanet 666, MedGen C0023931, MONDO:0008146, OMIM 166200. Disease mechanism: loss of function.
Ehlers-Danlos syndrome, classic type, 1 (EDSCL1). Also called: EHLERS-DANLOS SYNDROME, GRAVIS TYPE; EHLERS-DANLOS SYNDROME, SEVERE CLASSIC TYPE; Ehlers-Danlos syndrome, type 1; EDS I; Ehlers-Danlos Syndrome, Classic Type, COL5A1-Related. Identifiers: MedGen C0268335, MONDO:0019567, OMIM 130000.

Allele frequency attached by ClinVar (database versions not stated): TOPMed below 0.00001; gnomAD exomes 0.00002 and 0.00005; ExAC 0.00003.
gnomAD v4.1: 13 of 1,614,074 alleles (0.00081%); highest among the groups gnomAD compares: Admixed American, 0.02%; no homozygotes.

Submissions (2):

Labcorp Genetics (formerly Invitae), Labcorp
Classification: Uncertain significance for Osteogenesis imperfecta type I; Ehlers-Danlos syndrome, classic type, 1. Last evaluated: 2025-11-09. Review status: criteria provided, single submitter. Criteria: Invitae Variant Classification Sherloc (09022015). Collection method: clinical testing. Allele origin: germline.
Comment: This sequence change replaces leucine, which is neutral and non-polar, with proline, which is neutral and non-polar, at codon 1313 of the COL1A2 protein (p.Leu1313Pro). This variant is present in population databases (rs780400987, gnomAD 0.04%). This missense change has been observed in individual(s) with osteogenesis imperfecta (PMID: 23443412). ClinVar contains an entry for this variant (Variation ID: 1366252). Invitae Evidence Modeling of protein sequence and biophysical properties (such as structural, functional, and spatial information, amino acid conservation, physicochemical variation, residue mobility, and thermodynamic stability) indicates that this missense variant is not expected to disrupt COL1A2 protein function with a negative predictive value of 80%. In summary, the available evidence is currently insufficient to determine the role of this variant in disease. Therefore, it has been classified as a Variant of Uncertain Significance.

GeneDx
Classification: Uncertain significance. Last evaluated: 2025-02-04. Review status: criteria provided, single submitter. Criteria: GeneDx Variant Classification Process June 2021. Collection method: clinical testing. Allele origin: germline. Affected: yes.
Comment: Identified in an individual with osteogenesis imperfecta (PMID: 23443412); In silico analysis supports that this missense variant has a deleterious effect on protein structure/function; Not located in the triple helical region, where the majority of pathogenic missense variants occur (HGMD); This variant is associated with the following publications: (PMID: 23443412)

Literature cited by the submitters: PubMed 23443412 (cited by Labcorp Genetics (formerly Invitae), Labcorp).

NM_000089.4(COL1A2):c.3938T>C (p.Leu1313Pro)

Gene: COL1A2 (collagen type I alpha 2 chain; plus strand). Cytogenetic location: 7q21.3.
Variant type: single nucleotide variant.
Coding change: c.3938T>C on transcript NM_000089.4 (MANE Select); coding-DNA position 3938, T replaced by C.
Protein change: p.Leu1313Pro; replaces leucine 1313 with proline.
Molecular consequence: missense variant.
Genome position (GRCh38, 1-based): chr7:94,429,414, T>C. VCF-style: chr7-94429414-T-C. GRCh37 (hg19) VCF-style: chr7-94058726-T-C.
Other names: c.3938T>C (NM_000089.3); short protein forms L1313P.
Identifiers: ClinVar variation 1366252 (VCV001366252.8), dbSNP rs780400987, ClinGen allele CA4347879.